The following is an entry in ClinVar:

ClinVar aggregate classification (germline): Likely benign. Review status: criteria provided, multiple submitters, no conflicts (2 of 4 stars). 3 submissions from 3 submitters: Likely benign (3). Last evaluated 2023-12-31.

Conditions:
Cardiomyopathy (CMYO). Also called: Cardiomyopathies. Identifiers: Orphanet 167848, MedGen C0878544, MONDO:0004994, HP:0001638. Inheritance: Various modes of inheritance.
Catecholaminergic polymorphic ventricular tachycardia 1. Also called: RYR2-Related Catecholaminergic Polymorphic Ventricular Tachycardia; VENTRICULAR TACHYCARDIA, CATECHOLAMINERGIC POLYMORPHIC, 1, WITH OR WITHOUT ATRIAL DYSFUNCTION AND/OR DILATED CARDIOMYOPATHY; VENTRICULAR TACHYCARDIA, STRESS-INDUCED POLYMORPHIC 1. Identifiers: Orphanet 3286, MedGen C1631597, MONDO:0011484, OMIM 604772.

Submissions (3):

Labcorp Genetics (formerly Invitae), Labcorp
Classification: Likely benign for Catecholaminergic polymorphic ventricular tachycardia 1. Last evaluated: 2023-12-31. Review status: criteria provided, single submitter. Criteria: Invitae Variant Classification Sherloc (09022015). Collection method: clinical testing. Allele origin: germline.

CHEO Genetics Diagnostic Laboratory, Children's Hospital of Eastern Ontario
Classification: Likely benign for Cardiomyopathy. Last evaluated: 2017-02-28. Review status: criteria provided, single submitter. Criteria: ACMG Guidelines, 2015. Collection method: clinical testing. Allele origin: germline. Study: Canadian Open Genetics Repository.

GeneDx
Classification: Likely benign. Last evaluated: 2016-07-20. Review status: criteria provided, single submitter. Criteria: GeneDx Variant Classification (06012015). Collection method: clinical testing. Allele origin: germline. Affected: yes.
Comment: This variant is considered likely benign or benign based on one or more of the following criteria: it is a conservative change, it occurs at a poorly conserved position in the protein, it is predicted to be benign by multiple in silico algorithms, and/or has population frequency not consistent with disease.

NM_001035.3(RYR2):c.4368C>G (p.Gly1456=)

Gene: RYR2 (ryanodine receptor 2; plus strand). Cytogenetic location: 1q43.
Variant type: single nucleotide variant.
Coding change: c.4368C>G on transcript NM_001035.3 (MANE Select); coding-DNA position 4368, C replaced by G.
Protein change: p.Gly1456=; no amino-acid change (glycine 1456 retained).
Molecular consequence: synonymous variant.
Genome position (GRCh38, 1-based): chr1:237,593,568, C>G. VCF-style: chr1-237593568-C-G. GRCh37 (hg19) VCF-style: chr1-237756868-C-G.
Other names: c.4368C>G, p.Gly1456= (LRG_402t1).
Identifiers: ClinVar variation 387848 (VCV000387848.6), dbSNP rs1057522920, ClinGen allele CA16603631.